The following is an entry in ClinVar:

NM_001369.3(DNAH5):c.7992del (p.Asn2665fs)

Gene: DNAH5 (dynein axonemal heavy chain 5; minus strand). Cytogenetic location: 5p15.2.
Variant type: Deletion.
Coding change: c.7992del on transcript NM_001369.3 (MANE Select); coding-DNA position 7992, one base deleted (C; older notation c.7992delC).
Protein change: p.Asn2665fs; shifts the reading frame from asparagine 2665.
Molecular consequence: frameshift variant.
Genome position (GRCh38, 1-based): chr5:13,793,954, G deleted on the plus strand (C on the coding strand, the reverse complement: DNAH5 is on the minus strand). VCF-style (leftmost placement, unchanged base first): chr5-13793953-TG-T. GRCh37 (hg19) VCF-style: chr5-13794062-TG-T.
Other names: short protein forms N2665fs.
Identifiers: ClinVar variation 1351188 (VCV001351188.6), dbSNP rs2126913378, ClinGen allele CA2573138459.

ClinVar aggregate classification (germline): Pathogenic (1 of 4 stars; one submission).

Conditions:
Primary ciliary dyskinesia. Also called: Ciliary dyskinesia. Identifiers: Orphanet 244, MedGen C0008780, MONDO:0016575, HP:0012265.

Submission:

Labcorp Genetics (formerly Invitae), Labcorp
Classification: Pathogenic for Primary ciliary dyskinesia. Last evaluated: 2021-04-23. Review status: criteria provided, single submitter. Criteria: Invitae Variant Classification Sherloc (09022015). Collection method: clinical testing. Allele origin: germline.
Comment: For these reasons, this variant has been classified as Pathogenic. This variant has not been reported in the literature in individuals with DNAH5-related conditions. This variant is not present in population databases (ExAC no frequency). This sequence change creates a premature translational stop signal (p.Asn2665Metfs*11) in the DNAH5 gene. It is expected to result in an absent or disrupted protein product. Loss-of-function variants in DNAH5 are known to be pathogenic (PMID: 11788826, 16627867).

Literature cited by the submitters: PubMed 11788826; PubMed 16627867.